The following is an entry in ClinVar:

NM_001972.4(ELANE):c.166G>A (p.Gly56Ser)

Gene: ELANE (elastase, neutrophil expressed; plus strand). Cytogenetic location: 19p13.3.
Variant type: single nucleotide variant.
Coding change: c.166G>A on transcript NM_001972.4 (MANE Select); coding-DNA position 166, G replaced by A.
Protein change: p.Gly56Ser; replaces glycine 56 with serine.
Molecular consequence: missense variant.
Genome position (GRCh38, 1-based): chr19:852,974, G>A. VCF-style: chr19-852974-G-A. GRCh37 (hg19) VCF-style: chr19-852974-G-A.
Other names: short protein forms G56S.
Identifiers: ClinVar variation 3507769 (VCV003507769.1).

ClinVar aggregate classification (germline): Uncertain significance (1 of 4 stars; one submission).

Conditions:
Inborn genetic diseases. Identifiers: MedGen C0950123, MeSH D030342.

Submission:

Ambry Genetics
Classification: Uncertain significance for Inborn genetic diseases. Last evaluated: 2024-12-08. Review status: criteria provided, single submitter. Criteria: Ambry Variant Classification Scheme 2023. Collection method: clinical testing. Allele origin: germline.
Comment: The p.G56S variant (also known as c.166G>A), located in coding exon 2 of the ELANE gene, results from a G to A substitution at nucleotide position 166. The glycine at codon 56 is replaced by serine, an amino acid with similar properties. This amino acid position is conserved. In addition, this alteration is predicted to be deleterious by in silico analysis. Based on the available evidence, the clinical significance of this variant remains unclear.